The following is an entry in ClinVar:

ClinVar aggregate classification (germline): Uncertain significance (1 of 4 stars; one submission).

Conditions:
Long QT syndrome (LQTS). Identifiers: MedGen C0023976, MeSH D008133, MONDO:0002442. Disease mechanism: loss of function. Inheritance: Various modes of inheritance.

Allele frequency attached by ClinVar (database versions not stated): gnomAD 0.00001.
gnomAD v4.1: 1 of 1,613,986 alleles (0.000062%); highest among the groups gnomAD compares: Admixed American, 0.0017%; no homozygotes.

Submission:

Labcorp Genetics (formerly Invitae), Labcorp
Classification: Uncertain significance for Long QT syndrome. Last evaluated: 2022-05-05. Review status: criteria provided, single submitter. Criteria: Invitae Variant Classification Sherloc (09022015). Collection method: clinical testing. Allele origin: germline.
Comment: This sequence change replaces alanine, which is neutral and non-polar, with valine, which is neutral and non-polar, at codon 461 of the SNTA1 protein (p.Ala461Val). In summary, the available evidence is currently insufficient to determine the role of this variant in disease. Therefore, it has been classified as a Variant of Uncertain Significance. Algorithms developed to predict the effect of missense changes on protein structure and function (SIFT, PolyPhen-2, Align-GVGD) all suggest that this variant is likely to be tolerated. This variant has not been reported in the literature in individuals affected with SNTA1-related conditions. This variant is not present in population databases (gnomAD no frequency).

NM_003098.3(SNTA1):c.1382C>T (p.Ala461Val)

Gene: SNTA1 (syntrophin alpha 1; minus strand). Cytogenetic location: 20q11.21.
Variant type: single nucleotide variant.
Coding change: c.1382C>T on transcript NM_003098.3 (MANE Select); coding-DNA position 1382, C replaced by T.
Protein change: p.Ala461Val; replaces alanine 461 with valine.
Molecular consequence: missense variant.
Genome position (GRCh38, 1-based): chr20:33,408,744, G>A on the plus strand (C>T on the coding strand, the complement: SNTA1 is on the minus strand). VCF-style: chr20-33408744-G-A. GRCh37 (hg19) VCF-style: chr20-31996550-G-A.
Other names: short protein forms A461V.
Identifiers: ClinVar variation 1927808 (VCV001927808.5), dbSNP rs1299230902, ClinGen allele CA408630157.
Genomic context (GRCh38, chr20:33,408,744, plus strand): 5'-GGCAGCCCCTCACTCACGATCTCGCCTTCAGCACCTCCAAAATCCAGGAAAAGGAGACTG[G>A]CACCGTCATCTGAAGACATCTGCAGCTTCTCGAAGGGCTGTCGCAGGAGCACAGCTCGGG-3'
Protein context (NP_003089.1, residues 451-471): EKLQMSSDDG[Ala461Val]SLLFLDFGGA